The following is an entry in ClinVar:

ClinVar aggregate classification (germline): Uncertain significance (1 of 4 stars; one submission).

Conditions:
Acyl-CoA dehydrogenase 9 deficiency. Also called: MITOCHONDRIAL COMPLEX I DEFICIENCY, NUCLEAR TYPE 20; Acyl-CoA dehydrogenase family, member 9, deficiency of. Identifiers: Orphanet 99901, MedGen C4747517, MONDO:0012624, OMIM 611126.

Submission:

Helix
Classification: Uncertain significance for Acyl-CoA dehydrogenase 9 deficiency. Last evaluated: 2026-02-25. Review status: criteria provided, single submitter. Criteria: ACMG Guidelines, 2015. Collection method: clinical testing. Allele origin: germline. Inheritance: Autosomal recessive inheritance.
Comment: This variant (NM_014049.5:c.617T>C p.Ile206Thr) results in the substitution of isoleucine with threonine at codon 206 in the ACAD9 protein. It is a rare variant that is absent from the large gnomAD population database (v4.1). To our knowledge, this variant has not been reported in individuals with ACAD9-related conditions in the published literature. In silico prediction from REVEL (PMID: 27666373) is indeterminate. In conclusion, since the available evidence is limited, the clinical significance of this variant is unclear at this time. Therefore, it is classified as a Variant of Uncertain Significance.

NM_014049.5(ACAD9):c.617T>C (p.Ile206Thr)

Gene: ACAD9 (acyl-CoA dehydrogenase family member 9; plus strand). Cytogenetic location: 3q21.3.
Variant type: single nucleotide variant.
Coding change: c.617T>C on transcript NM_014049.5 (MANE Select); coding-DNA position 617, T replaced by C.
Protein change: p.Ile206Thr; replaces isoleucine 206 with threonine.
Molecular consequence: missense variant. On other transcripts: non-coding transcript variant (1).
Genome position (GRCh38, 1-based): chr3:128,897,694, T>C. VCF-style: chr3-128897694-T-C. GRCh37 (hg19) VCF-style: chr3-128616537-T-C.
Other names: c.248T>C, p.Ile83Thr (NM_001410805.1); short protein forms I206T, I83T.
Identifiers: ClinVar variation 4890837 (VCV004890837.1).